The following is an entry in ClinVar:

NM_144999.4(LRRC45):c.1946T>C (p.Phe649Ser)

Gene: LRRC45 (leucine rich repeat containing 45; plus strand). Cytogenetic location: 17q25.3.
Variant type: single nucleotide variant.
Coding change: c.1946T>C on transcript NM_144999.4 (MANE Select); coding-DNA position 1946, T replaced by C.
Protein change: p.Phe649Ser; replaces phenylalanine 649 with serine.
Molecular consequence: missense variant.
Genome position (GRCh38, 1-based): chr17:82,030,738, T>C. VCF-style: chr17-82030738-T-C. GRCh37 (hg19) VCF-style: chr17-79988614-T-C.
Other names: c.1946T>C (NM_144999.3); short protein forms F649S.
Identifiers: ClinVar variation 3291661 (VCV003291661.2).
Genomic context (GRCh38, chr17:82,030,738, plus strand): 5'-TGCGGCTCCGGGAGGCGGAGATCGCCCGCATCCGGGACGAGGAGGCCCAGAGGGCGAGCT[T>C]CCTGCAGAACGCCGTCCTGGCTTACGTGCAGGCGTCCCCCGTGAGGACCCTGAGCCCCCC-3'
Protein context (NP_659436.1, residues 639-659): IRDEEAQRAS[Phe649Ser]LQNAVLAYVQ

ClinVar aggregate classification (germline): Uncertain significance. Review status: criteria provided, multiple submitters, no conflicts (2 of 4 stars). 2 submissions from 2 submitters: Uncertain significance (2). Last evaluated 2025-03-17.

Conditions:
LRRC45-related disorder. Also called: LRRC45-related condition.

Submissions (2):

PreventionGenetics, part of Exact Sciences
Classification: Uncertain significance for LRRC45-related condition. Last evaluated: 2025-03-17. Review status: criteria provided, single submitter. Criteria: ACMG Guidelines, 2015. Collection method: clinical testing. Allele origin: germline.
Comment: The LRRC45 c.1946T>C variant is predicted to result in the amino acid substitution p.Phe649Ser. To our knowledge, this variant has not been reported in the literature or in a large population database (gnomAD), indicating this variant is rare. At this time, the clinical significance of this variant is uncertain due to the absence of conclusive functional and genetic evidence.

Ambry Genetics
Classification: Uncertain significance. Last evaluated: 2024-04-01. Review status: criteria provided, single submitter. Criteria: Ambry Variant Classification Scheme 2023. Collection method: clinical testing. Allele origin: germline.